The following is an entry in ClinVar:

NM_004168.4(SDHA):c.1192G>A (p.Glu398Lys)

Gene: SDHA (succinate dehydrogenase complex flavoprotein subunit A; plus strand). Cytogenetic location: 5p15.33.
Variant type: single nucleotide variant.
Coding change: c.1192G>A on transcript NM_004168.4 (MANE Select); coding-DNA position 1192, G replaced by A.
Protein change: p.Glu398Lys; replaces glutamic acid 398 with lysine.
Molecular consequence: missense variant.
Genome position (GRCh38, 1-based): chr5:235,271, G>A. VCF-style: chr5-235271-G-A. GRCh37 (hg19) VCF-style: chr5-235386-G-A.
Other names: c.1048G>A, p.Glu350Lys (NM_001294332.2); c.1192G>A, p.Glu398Lys (NM_001330758.2); short protein forms E350K, E398K.
Identifiers: ClinVar variation 3223712 (VCV003223712.1), dbSNP rs2126585204, ClinGen allele CA359013637.

ClinVar aggregate classification (germline): Uncertain significance (1 of 4 stars; one submission).

Conditions:
Hereditary cancer-predisposing syndrome. Also called: Tumor predisposition; Hereditary neoplastic syndrome; Hereditary Cancer Syndrome; Neoplastic Syndromes, Hereditary. Identifiers: Orphanet 140162, MedGen C0027672, MeSH D009386, MONDO:0015356.

Submission:

Ambry Genetics
Classification: Uncertain significance for Hereditary cancer-predisposing syndrome. Last evaluated: 2023-12-19. Review status: criteria provided, single submitter. Criteria: Ambry Variant Classification Scheme 2023. Collection method: clinical testing. Allele origin: germline.
Comment: The p.E398K variant (also known as c.1192G>A), located in coding exon 9 of the SDHA gene, results from a G to A substitution at nucleotide position 1192. The glutamic acid at codon 398 is replaced by lysine, an amino acid with similar properties. This amino acid position is conserved. In addition, this alteration is predicted to be deleterious by in silico analysis. Since supporting evidence is limited at this time, the clinical significance of this alteration remains unclear.